The following is an entry in ClinVar:

NM_001267550.2(TTN):c.102038A>C (p.Asn34013Thr)

Genes: TTN (titin; minus strand), TTN-AS1 (TTN antisense RNA 1; plus strand). Cytogenetic location: 2q31.2.
Variant type: single nucleotide variant.
Coding change: c.102038A>C on transcript NM_001267550.2 (MANE Select); coding-DNA position 102038, A replaced by C.
Protein change: p.Asn34013Thr; replaces asparagine 34013 with threonine.
Molecular consequence: missense variant.
Genome position (GRCh38, 1-based): chr2:178,534,577, T>G on the plus strand (A>C on the coding strand, the complement: TTN is on the minus strand). VCF-style: chr2-178534577-T-G. GRCh37 (hg19) VCF-style: chr2-179399304-T-G.
Other names: c.97115A>C, p.Asn32372Thr (NM_001256850.1); c.74843A>C, p.Asn24948Thr (NM_003319.4); c.94334A>C, p.Asn31445Thr (NM_133378.4); c.75218A>C, p.Asn25073Thr (NM_133432.3); c.75419A>C, p.Asn25140Thr (NM_133437.4); short protein forms N34013T, N24948T, N25073T, N25140T, N31445T, N32372T.
Identifiers: ClinVar variation 566698 (VCV000566698.9), dbSNP rs1559038960, ClinGen allele CA349418511.

ClinVar aggregate classification (germline): Uncertain significance (1 of 4 stars; one submission).

Conditions:
Dilated cardiomyopathy 1G (CMD1G). Identifiers: Orphanet 154, MedGen C1858763, MONDO:0011400, OMIM 604145.
Autosomal recessive limb-girdle muscular dystrophy type 2J (LGMDR10). Also called: MUSCULAR DYSTROPHY, LIMB-GIRDLE, AUTOSOMAL RECESSIVE 10; Limb-girdle muscular dystrophy, type 2J. Identifiers: Orphanet 140922, MedGen C1837342, MONDO:0012127, OMIM 608807.

Submission:

Labcorp Genetics (formerly Invitae), Labcorp
Classification: Uncertain significance for Dilated cardiomyopathy 1G; Autosomal recessive limb-girdle muscular dystrophy type 2J. Last evaluated: 2022-02-08. Review status: criteria provided, single submitter. Criteria: Invitae Variant Classification Sherloc (09022015). Collection method: clinical testing. Allele origin: germline.
Comment: In summary, the available evidence is currently insufficient to determine the role of this variant in disease. Therefore, it has been classified as a Variant of Uncertain Significance. This variant is located in the M band of TTN (PMID: 25589632). Variants in this region may be relevant for neuromuscular disorders, but have not been definitively shown to cause cardiomyopathy (PMID: 23975875). Experimental studies and prediction algorithms are not available or were not evaluated, and the functional significance of this variant is currently unknown. ClinVar contains an entry for this variant (Variation ID: 566698). This variant has not been reported in the literature in individuals affected with TTN-related conditions. This variant is not present in population databases (gnomAD no frequency). This sequence change replaces asparagine, which is neutral and polar, with threonine, which is neutral and polar, at codon 34013 of the TTN protein (p.Asn34013Thr).

Literature cited by the submitters: PubMed 25589632; PubMed 23975875.